The following is an entry in ClinVar:

NM_001368894.2(PAX6):c.621C>A (p.Asn207Lys)

Gene: PAX6 (paired box 6; minus strand). Cytogenetic location: 11p13.
Variant type: single nucleotide variant.
Coding change: c.621C>A on transcript NM_001368894.2 (MANE Select); coding-DNA position 621, C replaced by A.
Protein change: p.Asn207Lys; replaces asparagine 207 with lysine.
Molecular consequence: missense variant. On other transcripts: 5 prime UTR variant (1), non-coding transcript variant (2).
Genome position (GRCh38, 1-based): chr11:31,794,733, G>T on the plus strand (C>A on the coding strand, the complement: PAX6 is on the minus strand). VCF-style: chr11-31794733-G-T. GRCh37 (hg19) VCF-style: chr11-31816281-G-T.
Other names: c.579C>A, p.Asn193Lys (NM_000280.6, NM_001127612.3, NM_001258464.2 and 10 more transcripts); c.621C>A, p.Asn207Lys (NM_001258462.3, NM_001258463.2, NM_001310158.2 and 6 more transcripts); c.171C>A, p.Asn57Lys (NM_001310160.2, NM_001310161.3, NM_001368899.2 and 11 more transcripts); c.822C>A, p.Asn274Lys (NM_001368910.2); c.624C>A, p.Asn208Lys (NM_001368911.2); c.696C>A, p.Asn232Lys (NM_001368918.2, NM_001368919.2); c.654C>A, p.Asn218Lys (NM_001368920.2); c.420C>A, p.Asn140Lys (NM_001368921.2, NM_001368922.2, NM_001368923.2 and 4 more transcripts); and 2 more; short protein forms N140K, N207K, N218K, N232K, N57K, N126K, N193K, N208K.
Identifiers: ClinVar variation 1922677 (VCV001922677.5), dbSNP rs367589686, ClinGen allele CA379957033.

ClinVar aggregate classification (germline): Uncertain significance (1 of 4 stars; one submission).

Conditions:
Aniridia 1 (AN1). Identifiers: Orphanet 250923, MedGen C0344542, MONDO:0024507, OMIM 106210.
Irido-corneo-trabecular dysgenesis (ASGD5). Also called: ANTERIOR SEGMENT DYSGENESIS 5. Identifiers: Orphanet 708, MedGen C0344559, MONDO:0011414, OMIM 604229, HP:0000659.

gnomAD v4.1: 21 of 1,613,876 alleles (0.0013%); highest among the groups gnomAD compares: Non-Finnish European, 0.0018%; 1 homozygote.

Submission:

Labcorp Genetics (formerly Invitae), Labcorp
Classification: Uncertain significance for Aniridia 1; Irido-corneo-trabecular dysgenesis. Last evaluated: 2021-12-11. Review status: criteria provided, single submitter. Criteria: Invitae Variant Classification Sherloc (09022015). Collection method: clinical testing. Allele origin: germline.
Comment: In summary, the available evidence is currently insufficient to determine the role of this variant in disease. Therefore, it has been classified as a Variant of Uncertain Significance. Advanced modeling of protein sequence and biophysical properties (such as structural, functional, and spatial information, amino acid conservation, physicochemical variation, residue mobility, and thermodynamic stability) performed at Invitae indicates that this missense variant is not expected to disrupt PAX6 protein function. This variant has not been reported in the literature in individuals affected with PAX6-related conditions. This variant is present in population databases (no rsID available, gnomAD 0.0009%). This sequence change replaces asparagine, which is neutral and polar, with lysine, which is basic and polar, at codon 193 of the PAX6 protein (p.Asn193Lys).